The following is an entry in ClinVar:

ClinVar aggregate classification (germline): Pathogenic (1 of 4 stars; one submission).

Conditions:
Marfan syndrome (MFS). Also called: MARFAN SYNDROME, TYPE I; Marfan syndrome type 1; Marfan's syndrome; Marfan syndrome, classic; FBN1-Related Marfan Syndrome. Identifiers: Orphanet 284963, Orphanet 558, MedGen C0024796, MONDO:0007947, OMIM 154700.
Familial thoracic aortic aneurysm and aortic dissection (TAAD). Also called: Thoracic aortic aneurysms and dissections. Identifiers: Orphanet 91387, MedGen C4707243, MONDO:0019625.

Submission:

Labcorp Genetics (formerly Invitae), Labcorp
Classification: Pathogenic for Marfan syndrome; Familial thoracic aortic aneurysm and aortic dissection. Last evaluated: 2023-12-03. Review status: criteria provided, single submitter. Criteria: Invitae Variant Classification Sherloc (09022015). Collection method: clinical testing. Allele origin: germline.
Comment: This sequence change creates a premature translational stop signal (p.Cys221Leufs*2) in the FBN1 gene. It is expected to result in an absent or disrupted protein product. Loss-of-function variants in FBN1 are known to be pathogenic (PMID: 17657824, 19293843). This variant is not present in population databases (gnomAD no frequency). This variant has not been reported in the literature in individuals affected with FBN1-related conditions. For these reasons, this variant has been classified as Pathogenic.

Literature cited by the submitters: PubMed 17657824; PubMed 19293843.

NM_000138.5(FBN1):c.660dup (p.Cys221fs)

Gene: FBN1 (fibrillin 1; minus strand). Cytogenetic location: 15q21.1.
Variant type: Duplication.
Coding change: c.660dup on transcript NM_000138.5 (MANE Select); coding-DNA position 660, one base duplicated (C; older notation c.660dupC).
Protein change: p.Cys221fs; shifts the reading frame from cysteine 221.
Molecular consequence: frameshift variant.
Genome position (GRCh38, 1-based): chr15:48,537,687, G duplicated on the plus strand (C on the coding strand, the reverse complement: FBN1 is on the minus strand); the first of 4 consecutive G bases (chr15:48,537,687-48,537,690); duplicating any one gives the same sequence. VCF-style (leftmost placement, unchanged base first): chr15-48537686-A-AG. GRCh37 (hg19) VCF-style: chr15-48829883-A-AG.
Other names: c.660dup, p.Cys221fs (NM_001406716.1, NM_001406717.1); short protein forms C221fs.
Identifiers: ClinVar variation 2954395 (VCV002954395.3), dbSNP rs727505269, ClinGen allele CA2740096693.
Genomic context (GRCh38, chr15:48,537,686, plus strand): 5'-TGCGGATATTTGGAATGAAGCCACGGCGGCAGGGGTGAGGCTGGGCAGGACACATCTCAC[A>AG]GGGGTGGCCCCAGGCTCGGCCGACTGTGGCACAGCAGAGCGTTTTTGTGCAGACAATCCC-3'